The following is an entry in ClinVar:

ClinVar aggregate classification (germline): Uncertain significance. Review status: criteria provided, multiple submitters, no conflicts (2 of 4 stars). 2 submissions from 2 submitters: Uncertain significance (2). Last evaluated 2025-12-12.

Conditions:
Hereditary cancer-predisposing syndrome. Also called: Neoplastic Syndromes, Hereditary; Tumor predisposition; Hereditary Cancer Syndrome; Hereditary neoplastic syndrome. Identifiers: Orphanet 140162, MedGen C0027672, MeSH D009386, MONDO:0015356.

Submissions (2):

Ambry Genetics
Classification: Uncertain significance for Hereditary cancer-predisposing syndrome. Last evaluated: 2025-12-12. Review status: criteria provided, single submitter. Criteria: Ambry Variant Classification Scheme 2023. Collection method: clinical testing. Allele origin: germline.
Comment: The p.D3197G variant (also known as c.9590A>G), located in coding exon 25 of the BRCA2 gene, results from an A to G substitution at nucleotide position 9590. The aspartic acid at codon 3197 is replaced by glycine, an amino acid with similar properties. This amino acid position is not well conserved in available vertebrate species. In addition, this alteration is predicted to be tolerated by in silico analysis. Based on the available evidence, the clinical significance of this variant remains unclear.

Color Diagnostics, LLC DBA Color Health
Classification: Uncertain significance for Hereditary cancer-predisposing syndrome. Last evaluated: 2024-01-08. Review status: criteria provided, single submitter. Criteria: ACMG Guidelines, 2015. Collection method: clinical testing. Allele origin: germline.
Comment: This missense variant replaces aspartic acid with glycine at codon 3197 of the BRCA2 protein. Computational prediction suggests that this variant may not impact protein structure and function. To our knowledge, functional studies have not been reported for this variant. This variant has been reported in an individual affected with triple negative breast cancer; this individual also carried a pathogenic variant in the BRCA1 gene that could explain the observed phenotype (PMID: 28364669). This variant has not been identified in the general population by the Genome Aggregation Database (gnomAD). The available evidence is insufficient to determine the role of this variant in disease conclusively. Therefore, this variant is classified as a Variant of Uncertain Significance.

Literature cited by the submitters: PubMed 28364669 (cited by Color Diagnostics, LLC DBA Color Health).

NM_000059.4(BRCA2):c.9590A>G (p.Asp3197Gly)

Gene: BRCA2 (BRCA2 DNA repair associated; plus strand). Cytogenetic location: 13q13.1.
Variant type: single nucleotide variant.
Coding change: c.9590A>G on transcript NM_000059.4 (MANE Select); coding-DNA position 9590, A replaced by G.
Protein change: p.Asp3197Gly; replaces aspartic acid 3197 with glycine.
Molecular consequence: missense variant. On other transcripts: non-coding transcript variant (1).
Genome position (GRCh38, 1-based): chr13:32,396,986, A>G. VCF-style: chr13-32396986-A-G. GRCh37 (hg19) VCF-style: chr13-32971123-A-G.
Other names: c.9494A>G, p.Asp3165Gly (NM_001406719.1); c.9539A>G, p.Asp3180Gly (NM_001406720.1); c.4658A>G, p.Asp1553Gly (NM_001406721.1); c.3173A>G, p.Asp1058Gly (NM_001406722.1); c.9590A>G, p.Asp3197Gly (NM_001432077.1); short protein forms D1058G, D1553G, D3165G, D3180G, D3197G.
Identifiers: ClinVar variation 3894417 (VCV003894417.2).